The following is an entry in ClinVar:

ClinVar aggregate classification (germline): Benign (1 of 4 stars; one submission).

Allele frequency attached by ClinVar (database versions not stated): TOPMed 0.00018; ESP Exome Variant Server 0.00023; 1000 Genomes Project 30x 0.00078; 1000 Genomes Project 0.00100; gnomAD exomes 0.00187; gnomAD 0.00344; ExAC 0.00374.
gnomAD v4.1: 3,213 of 1,614,084 alleles (0.2%); highest among the groups gnomAD compares: Non-Finnish European, 0.021%; 81 homozygotes.

Submission:

CeGaT Center for Human Genetics Tuebingen
Classification: Benign. Last evaluated: 2024-01-01. Review status: criteria provided, single submitter. Criteria: CeGaT Center For Human Genetics Tuebingen Variant Classification Criteria Version 2. Collection method: clinical testing. Allele origin: germline. Affected: yes. Observed: 1 variant allele.
Comment: ANGPTL7: BS1, BS2

NM_021146.4(ANGPTL7):c.658C>T (p.Arg220Cys)

Genes: ANGPTL7 (angiopoietin like 7; plus strand), MTOR (mechanistic target of rapamycin kinase; minus strand). Cytogenetic location: 1p36.22.
Variant type: single nucleotide variant.
Coding change: c.658C>T on transcript NM_021146.4 (MANE Select); coding-DNA position 658, C replaced by T.
Protein change: p.Arg220Cys; replaces arginine 220 with cysteine.
Molecular consequence: missense variant. On other transcripts: intron variant (3).
Genome position (GRCh38, 1-based): chr1:11,193,760, C>T. VCF-style: chr1-11193760-C-T. GRCh37 (hg19) VCF-style: chr1-11253817-C-T.
Other names: c.3005+5498G>A (NM_001386501.1); c.4253+5498G>A (NM_004958.4, NM_001386500.1); short protein forms R220C.
Identifiers: ClinVar variation 3024678 (VCV003024678.22), dbSNP rs147660927, ClinGen allele CA589886.
Genomic context (GRCh38, chr1:11,193,760, plus strand): 5'-GGGGACTTCTGGCTGGGGAACGAACACATCCACCGGCTCTCCAGACAGCCAACCCGGCTG[C>T]GTGTAGAGATGGAGGTAAGCACAAGGCCAGGGGCCCCATGACTGGACCAGTGCCACCACA-3'
Protein context (NP_066969.1, residues 210-230): HRLSRQPTRL[Arg220Cys]VEMEDWEGNL